The following is an entry in ClinVar:

NM_145331.3(MAP3K7):c.782G>T (p.Ser261Ile)

Gene: MAP3K7 (mitogen-activated protein kinase kinase kinase 7; minus strand). Cytogenetic location: 6q15.
Variant type: single nucleotide variant.
Coding change: c.782G>T on transcript NM_145331.3 (MANE Select); coding-DNA position 782, G replaced by T.
Protein change: p.Ser261Ile; replaces serine 261 with isoleucine.
Molecular consequence: missense variant.
Genome position (GRCh38, 1-based): chr6:90,552,134, C>A on the plus strand (G>T on the coding strand, the complement: MAP3K7 is on the minus strand). VCF-style: chr6-90552134-C-A. GRCh37 (hg19) VCF-style: chr6-91261853-C-A.
Other names: c.782G>T, p.Ser261Ile (NM_145332.3, NM_145333.3, NM_003188.4); short protein forms S261I.
Identifiers: ClinVar variation 1382412 (VCV001382412.6), dbSNP rs1434933903, ClinGen allele CA365011896.
Genomic context (GRCh38, chr6:90,552,134, plus strand): 5'-ACAATTTCCTCCATTGAAGGGCGCTGGGAAGGATCTTTAGACCAACAACGAGTCATCAGG[C>A]TCTCAATGGGCTTAGGTAAATTTTTTATCAGTGGTGGTCGAGTACCTACAATTGAAAATG-3'
Protein context (NP_663304.1, residues 251-271): LIKNLPKPIE[Ser261Ile]LMTRCWSKDP

ClinVar aggregate classification (germline): Uncertain significance (1 of 4 stars; one submission).

Submission:

Labcorp Genetics (formerly Invitae), Labcorp
Classification: Uncertain significance. Last evaluated: 2024-05-20. Review status: criteria provided, single submitter. Criteria: Invitae Variant Classification Sherloc (09022015). Collection method: clinical testing. Allele origin: germline.
Comment: This sequence change replaces serine, which is neutral and polar, with isoleucine, which is neutral and non-polar, at codon 261 of the MAP3K7 protein (p.Ser261Ile). This variant is not present in population databases (gnomAD no frequency). This variant has not been reported in the literature in individuals affected with MAP3K7-related conditions. ClinVar contains an entry for this variant (Variation ID: 1382412). An algorithm developed to predict the effect of missense changes on protein structure and function (PolyPhen-2) suggests that this variant is likely to be tolerated. In summary, the available evidence is currently insufficient to determine the role of this variant in disease. Therefore, it has been classified as a Variant of Uncertain Significance.